The following is an entry in ClinVar:

ClinVar aggregate classification (germline): Uncertain significance (1 of 4 stars; one submission).

Conditions:
Hyperkalemic periodic paralysis. Also called: Familial hyperkalemic periodic paralysis; Gamstorp disease. Identifiers: Orphanet 682, MedGen C0238357, MONDO:0008224, OMIM 170500, HP:0007215.

gnomAD v4.1: 3 of 1,613,860 alleles (0.00019%); highest among the groups gnomAD compares: Non-Finnish European, 0.00025%; no homozygotes.

Submission:

Labcorp Genetics (formerly Invitae), Labcorp
Classification: Uncertain significance for Hyperkalemic periodic paralysis. Last evaluated: 2022-11-22. Review status: criteria provided, single submitter. Criteria: Invitae Variant Classification Sherloc (09022015). Collection method: clinical testing. Allele origin: germline.
Comment: This sequence change replaces leucine, which is neutral and non-polar, with valine, which is neutral and non-polar, at codon 565 of the SCN4A protein (p.Leu565Val). This variant is not present in population databases (gnomAD no frequency). In summary, the available evidence is currently insufficient to determine the role of this variant in disease. Therefore, it has been classified as a Variant of Uncertain Significance. Advanced modeling of protein sequence and biophysical properties (such as structural, functional, and spatial information, amino acid conservation, physicochemical variation, residue mobility, and thermodynamic stability) performed at Invitae indicates that this missense variant is not expected to disrupt SCN4A protein function. ClinVar contains an entry for this variant (Variation ID: 1479727). This variant has not been reported in the literature in individuals affected with SCN4A-related conditions.

NM_000334.4(SCN4A):c.1693C>G (p.Leu565Val)

Gene: SCN4A (sodium voltage-gated channel alpha subunit 4; minus strand). Cytogenetic location: 17q23.3.
Variant type: single nucleotide variant.
Coding change: c.1693C>G on transcript NM_000334.4 (MANE Select); coding-DNA position 1693, C replaced by G.
Protein change: p.Leu565Val; replaces leucine 565 with valine.
Molecular consequence: missense variant.
Genome position (GRCh38, 1-based): chr17:63,961,345, G>C on the plus strand (C>G on the coding strand, the complement: SCN4A is on the minus strand). VCF-style: chr17-63961345-G-C. GRCh37 (hg19) VCF-style: chr17-62038705-G-C.
Other names: short protein forms L565V.
Identifiers: ClinVar variation 1479727 (VCV001479727.8), dbSNP rs1597980227, ClinGen allele CA400633586.